The following is an entry in ClinVar:

ClinVar aggregate classification (germline): Uncertain significance (1 of 4 stars; one submission).

Allele frequency attached by ClinVar (database versions not stated): TOPMed below 0.00001.
gnomAD v4.1: 8 of 1,613,894 alleles (0.0005%); highest among the groups gnomAD compares: Non-Finnish European, 0.00068%; no homozygotes.

Submission:

Labcorp Genetics (formerly Invitae), Labcorp
Classification: Uncertain significance. Last evaluated: 2023-11-13. Review status: criteria provided, single submitter. Criteria: Invitae Variant Classification Sherloc (09022015). Collection method: clinical testing. Allele origin: germline.
Comment: This sequence change replaces glutamic acid, which is acidic and polar, with lysine, which is basic and polar, at codon 159 of the TOP1MT protein (p.Glu159Lys). This variant is present in population databases (no rsID available, gnomAD 0.0009%). This variant has not been reported in the literature in individuals affected with TOP1MT-related conditions. Advanced modeling of protein sequence and biophysical properties (such as structural, functional, and spatial information, amino acid conservation, physicochemical variation, residue mobility, and thermodynamic stability) performed at Invitae indicates that this missense variant is not expected to disrupt TOP1MT protein function with a negative predictive value of 80%. In summary, the available evidence is currently insufficient to determine the role of this variant in disease. Therefore, it has been classified as a Variant of Uncertain Significance.

NM_052963.3(TOP1MT):c.475G>A (p.Glu159Lys)

Gene: TOP1MT (DNA topoisomerase I mitochondrial; minus strand). Cytogenetic location: 8q24.3.
Variant type: single nucleotide variant.
Coding change: c.475G>A on transcript NM_052963.3 (MANE Select); coding-DNA position 475, G replaced by A.
Protein change: p.Glu159Lys; replaces glutamic acid 159 with lysine.
Molecular consequence: missense variant.
Genome position (GRCh38, 1-based): chr8:143,326,230, C>T on the plus strand (G>A on the coding strand, the complement: TOP1MT is on the minus strand). VCF-style: chr8-143326230-C-T. GRCh37 (hg19) VCF-style: chr8-144408400-C-T.
Other names: c.181G>A, p.Glu61Lys (NM_001258446.1, NM_001258447.1); short protein forms E159K, E61K.
Identifiers: ClinVar variation 2791550 (VCV002791550.3), dbSNP rs1343856546, ClinGen allele CA372418480.